The following is an entry in ClinVar:

NM_014249.4(NR2E3):c.998C>T (p.Thr333Met)

Gene: NR2E3 (nuclear receptor subfamily 2 group E member 3; plus strand). Cytogenetic location: 15q23.
Variant type: single nucleotide variant.
Coding change: c.998C>T on transcript NM_014249.4 (MANE Select); coding-DNA position 998, C replaced by T.
Protein change: p.Thr333Met; replaces threonine 333 with methionine.
Molecular consequence: missense variant.
Genome position (GRCh38, 1-based): chr15:71,814,015, C>T. VCF-style: chr15-71814015-C-T. GRCh37 (hg19) VCF-style: chr15-72106356-C-T.
Other names: c.998C>T (NM_014249.3); c.998C>T, p.Thr333Met (NM_016346.4); short protein forms T333M.
Identifiers: ClinVar variation 551766 (VCV000551766.10), dbSNP rs554638593, ClinGen allele CA7640470.
Genomic context (GRCh38, chr15:71,814,015, plus strand): 5'-CCAGCCTTATAACAGCCGTAAACCTGTGCTAAGCTCACTGGTGCTGCTTCTCCCCAGAGA[C>T]GCGGGGCCTGAAGGATCCTGAGCACGTAGAGGCCTTGCAGGACCAGTCCCAAGTGATGCT-3'
Protein context (NP_055064.1, residues 323-343): MKALVLFKPE[Thr333Met]RGLKDPEHVE

ClinVar aggregate classification (germline): Conflicting classifications of pathogenicity. Review status: criteria provided, conflicting classifications (1 of 4 stars). 5 submissions from 5 submitters: Uncertain significance (3); Likely benign (1). 1 of the submissions does not count toward it. Last evaluated 2025-10-22.

Conditions:
Enhanced S-cone syndrome (ESCS). Identifiers: Orphanet 53540, MedGen C1849394, MONDO:0100288, MONDO:0009989.
Retinitis pigmentosa 37 (RP37). Identifiers: Orphanet 791, MedGen C1970163, MONDO:0012625, OMIM 611131.
NR2E3-related disorder. Also called: NR2E3-related disorders; NR2E3-related condition. Identifiers: MedGen CN239387.

Allele frequency attached by ClinVar (database versions not stated): TOPMed 0.00003; gnomAD 0.00004; gnomAD exomes 0.00005 and 0.00011; ExAC 0.00010.
gnomAD v4.1: 86 of 1,611,078 alleles (0.0053%); highest among the groups gnomAD compares: Middle Eastern, 0.016%; no homozygotes.

Submissions (5):

Labcorp Genetics (formerly Invitae), Labcorp
Classification: Uncertain significance. Last evaluated: 2025-10-22. Review status: criteria provided, single submitter. Criteria: Invitae Variant Classification Sherloc (09022015). Collection method: clinical testing. Allele origin: germline.
Comment: This sequence change replaces threonine, which is neutral and polar, with methionine, which is neutral and non-polar, at codon 333 of the NR2E3 protein (p.Thr333Met). This variant is present in population databases (rs554638593, gnomAD 0.2%). This variant has not been reported in the literature in individuals affected with NR2E3-related conditions. ClinVar contains an entry for this variant (Variation ID: 551766). Invitae Evidence Modeling of protein sequence and biophysical properties (such as structural, functional, and spatial information, amino acid conservation, physicochemical variation, residue mobility, and thermodynamic stability) indicates that this missense variant is not expected to disrupt NR2E3 protein function with a negative predictive value of 80%. In summary, the available evidence is currently insufficient to determine the role of this variant in disease. Therefore, it has been classified as a Variant of Uncertain Significance.

PreventionGenetics, part of Exact Sciences
Classification: Likely benign for NR2E3-related condition. Last evaluated: 2025-06-12. Review status: criteria provided, single submitter. Criteria: ACMG Guidelines, 2015. Collection method: clinical testing. Allele origin: germline.
Comment: This variant is classified as likely benign based on ACMG/AMP sequence variant interpretation guidelines (Richards et al. 2015 PMID: 25741868, with internal and published modifications).

Blueprint Genetics
Classification: Uncertain significance. Last evaluated: 2022-06-03. Review status: criteria provided, single submitter. Criteria: ACMG Guidelines, 2015. Collection method: clinical testing. Allele origin: germline.

Fulgent Genetics
Classification: Uncertain significance for ENHANCED S-CONE SYNDROME 1; Retinitis pigmentosa 37. Last evaluated: 2022-03-04. Review status: criteria provided, single submitter. Criteria: ACMG Guidelines, 2015. Collection method: clinical testing. Allele origin: unknown.

Counsyl
Classification: Uncertain significance for Retinitis pigmentosa 37; ENHANCED S-CONE SYNDROME 1. Last evaluated: 2017-05-15. Review status: no assertion criteria provided. Collection method: clinical testing. Allele origin: unknown. Not counted in ClinVar's aggregate classification.